The following is an entry in ClinVar:

ClinVar aggregate classification (germline): Pathogenic (1 of 4 stars; one submission).

Conditions:
Hereditary spastic paraplegia 2 (SPG2). Also called: Spastic Paraplegia 2 (SPG2); SPASTIC PARAPLEGIA 2, X-LINKED. Identifiers: Orphanet 99015, MedGen C0751604, MONDO:0010733, OMIM 312920.

Submission:

Labcorp Genetics (formerly Invitae), Labcorp
Classification: Pathogenic for Hereditary spastic paraplegia 2. Last evaluated: 2022-08-16. Review status: criteria provided, single submitter. Criteria: Invitae Variant Classification Sherloc (09022015). Collection method: clinical testing. Allele origin: germline.
Comment: For these reasons, this variant has been classified as Pathogenic. This variant disrupts a region of the PLP1 protein in which other variant(s) (p.Thr118_Val166del) have been determined to be pathogenic (PMID: 7539213). This suggests that this is a clinically significant region of the protein, and that variants that disrupt it are likely to be disease-causing. This variant has not been reported in the literature in individuals affected with PLP1-related conditions. This variant results in the deletion of exon 3 and part of exon 4 (c.191+225_559del) of the PLP1 gene. It is expected to disrupt RNA splicing. Variants that disrupt the donor or acceptor splice site typically lead to a loss of protein function (PMID: 16199547), and loss-of-function variants in PLP1 are known to be pathogenic (PMID: 18470932).

Literature cited by the submitters: PubMed 7539213; PubMed 16199547; PubMed 18470932.

NC_000023.10:g.(?_103040922)_(103042832_?)del

Gene: PLP1 (proteolipid protein 1; plus strand). Cytogenetic location: Xq22.2.
Variant type: Deletion.
Identifiers: ClinVar variation 2423248 (VCV002423248.4).